The following is an entry in ClinVar:

NM_001365536.1(SCN9A):c.3440A>C (p.Asn1147Thr)

Genes: SCN1A-AS1 (SCN1A and SCN9A antisense RNA 1; plus strand), SCN9A (sodium voltage-gated channel alpha subunit 9; minus strand). Cytogenetic location: 2q24.3.
Variant type: single nucleotide variant.
Coding change: c.3440A>C on transcript NM_001365536.1 (MANE Select); coding-DNA position 3440, A replaced by C.
Protein change: p.Asn1147Thr; replaces asparagine 1147 with threonine.
Molecular consequence: missense variant. On other transcripts: non-coding transcript variant (1).
Genome position (GRCh38, 1-based): chr2:166,251,797, T>G on the plus strand (A>C on the coding strand, the complement: SCN9A is on the minus strand). VCF-style: chr2-166251797-T-G. GRCh37 (hg19) VCF-style: chr2-167108307-T-G.
Other names: c.3407A>C, p.Asn1136Thr (NM_002977.4); short protein forms N1136T, N1147T.
Identifiers: ClinVar variation 1500573 (VCV001500573.6), dbSNP rs1215245216, ClinGen allele CA349071867.

ClinVar aggregate classification (germline): Uncertain significance (1 of 4 stars; one submission).

Conditions:
Generalized epilepsy with febrile seizures plus, type 7 (GEFSP7). Also called: GEFS+, TYPE 7. Identifiers: Orphanet 36387, MedGen C2751778, MONDO:0013470, OMIM 613863.
Neuropathy, hereditary sensory and autonomic, type 2A (HSAN2A). Also called: HSAN IIA; WNK1-Related HSAN2 (HSAN2A); MORVAN DISEASE; NEUROPATHY, CONGENITAL SENSORY; NEUROPATHY, HEREDITARY SENSORY RADICULAR, AUTOSOMAL RECESSIVE; NEUROPATHY, HEREDITARY SENSORY, TYPE IIA. Identifiers: Orphanet 970, MedGen C2752089, MONDO:0024309, OMIM 201300.

Allele frequency attached by ClinVar (database versions not stated): gnomAD exomes below 0.00001 and 0.00001.
gnomAD v4.1: 4 of 1,612,702 alleles (0.00025%); highest among the groups gnomAD compares: South Asian, 0.0011%; no homozygotes.

Submission:

Labcorp Genetics (formerly Invitae), Labcorp
Classification: Uncertain significance for Neuropathy, hereditary sensory and autonomic, type 2A; Generalized epilepsy with febrile seizures plus, type 7. Last evaluated: 2021-08-23. Review status: criteria provided, single submitter. Criteria: Invitae Variant Classification Sherloc (09022015). Collection method: clinical testing. Allele origin: germline.
Comment: This sequence change replaces asparagine with threonine at codon 1136 of the SCN9A protein (p.Asn1136Thr). The asparagine residue is moderately conserved and there is a small physicochemical difference between asparagine and threonine. This variant is not present in population databases (ExAC no frequency). In summary, the available evidence is currently insufficient to determine the role of this variant in disease. Therefore, it has been classified as a Variant of Uncertain Significance. Algorithms developed to predict the effect of missense changes on protein structure and function (SIFT, PolyPhen-2, Align-GVGD) all suggest that this variant is likely to be tolerated. This variant has not been reported in the literature in individuals affected with SCN9A-related conditions.